The following is an entry in ClinVar:

NM_031935.3(HMCN1):c.12839G>C (p.Ser4280Thr)

Gene: HMCN1 (hemicentin 1; plus strand). Cytogenetic location: 1q31.1.
Variant type: single nucleotide variant.
Coding change: c.12839G>C on transcript NM_031935.3 (MANE Select); coding-DNA position 12839, G replaced by C.
Protein change: p.Ser4280Thr; replaces serine 4280 with threonine.
Molecular consequence: missense variant.
Genome position (GRCh38, 1-based): chr1:186,128,226, G>C. VCF-style: chr1-186128226-G-C. GRCh37 (hg19) VCF-style: chr1-186097358-G-C.
Other names: short protein forms S4280T.
Identifiers: ClinVar variation 2098629 (VCV002098629.4), dbSNP rs2528060441, ClinGen allele CA343905956.

ClinVar aggregate classification (germline): Uncertain significance (1 of 4 stars; one submission).

Submission:

Labcorp Genetics (formerly Invitae), Labcorp
Classification: Uncertain significance. Last evaluated: 2023-06-30. Review status: criteria provided, single submitter. Criteria: Invitae Variant Classification Sherloc (09022015). Collection method: clinical testing. Allele origin: germline.
Comment: This sequence change replaces serine, which is neutral and polar, with threonine, which is neutral and polar, at codon 4280 of the HMCN1 protein (p.Ser4280Thr). This variant is not present in population databases (gnomAD no frequency). This variant has not been reported in the literature in individuals affected with HMCN1-related conditions. ClinVar contains an entry for this variant (Variation ID: 2098629). An algorithm developed to predict the effect of missense changes on protein structure and function (PolyPhen-2) suggests that this variant is likely to be tolerated. In summary, the available evidence is currently insufficient to determine the role of this variant in disease. Therefore, it has been classified as a Variant of Uncertain Significance.